The following is an entry in ClinVar:

NM_130810.4(DNAAF4):c.55C>G (p.Leu19Val)

Genes: DNAAF4 (dynein axonemal assembly factor 4; minus strand), DNAAF4-CCPG1 (DNAAF4-CCPG1 readthrough (NMD candidate); minus strand). Cytogenetic location: 15q21.3.
Variant type: single nucleotide variant.
Coding change: c.55C>G on transcript NM_130810.4 (MANE Select); coding-DNA position 55, C replaced by G.
Protein change: p.Leu19Val; replaces leucine 19 with valine.
Molecular consequence: missense variant. On other transcripts: non-coding transcript variant (1).
Genome position (GRCh38, 1-based): chr15:55,498,275, G>C on the plus strand (C>G on the coding strand, the complement: DNAAF4 is on the minus strand). VCF-style: chr15-55498275-G-C. GRCh37 (hg19) VCF-style: chr15-55790473-G-C.
Other names: c.55C>G, p.Leu19Val (NM_001033559.3, NM_001033560.2); short protein forms L19V.
Identifiers: ClinVar variation 3693756 (VCV003693756.2).

ClinVar aggregate classification (germline): Uncertain significance (1 of 4 stars; one submission).

gnomAD v4.1: 5 of 1,613,740 alleles (0.00031%); highest among the groups gnomAD compares: East Asian, 0.0045%; no homozygotes.

Submission:

Labcorp Genetics (formerly Invitae), Labcorp
Classification: Uncertain significance. Last evaluated: 2025-01-17. Review status: criteria provided, single submitter. Criteria: Invitae Variant Classification Sherloc (09022015). Collection method: clinical testing. Allele origin: germline.
Comment: This sequence change replaces leucine, which is neutral and non-polar, with valine, which is neutral and non-polar, at codon 19 of the DNAAF4 protein (p.Leu19Val). This variant is present in population databases (rs201419966, gnomAD 0.006%). This variant has not been reported in the literature in individuals affected with DNAAF4-related conditions. Invitae Evidence Modeling of protein sequence and biophysical properties (such as structural, functional, and spatial information, amino acid conservation, physicochemical variation, residue mobility, and thermodynamic stability) indicates that this missense variant is not expected to disrupt DNAAF4 protein function with a negative predictive value of 80%. This variant disrupts the p.Leu19 amino acid residue in DNAAF4. Other variant(s) that disrupt this residue have been determined to be pathogenic (internal data). This suggests that this residue is clinically significant, and that variants that disrupt this residue are likely to be disease-causing. In summary, the available evidence is currently insufficient to determine the role of this variant in disease. Therefore, it has been classified as a Variant of Uncertain Significance.